The following is an entry in ClinVar:

NM_000038.6(APC):c.3184C>T (p.Gln1062Ter)

Gene: APC (APC regulator of Wnt signaling pathway; plus strand). Cytogenetic location: 5q22.2.
Variant type: single nucleotide variant.
Coding change: c.3184C>T on transcript NM_000038.6 (MANE Select); coding-DNA position 3184, C replaced by T.
Protein change: p.Gln1062Ter; replaces glutamine 1062 with a stop codon.
Molecular consequence: nonsense.
Genome position (GRCh38, 1-based): chr5:112,838,778, C>T. VCF-style: chr5-112838778-C-T. GRCh37 (hg19) VCF-style: chr5-112174475-C-T.
Other names: c.3184C>T, p.Gln1062Ter (NM_001127510.3, NM_001354895.2); c.3130C>T, p.Gln1044Ter (NM_001127511.3); c.3238C>T, p.Gln1080Ter (NM_001354896.2); c.3214C>T, p.Gln1072Ter (NM_001354897.2); c.3109C>T, p.Gln1037Ter (NM_001354898.2); c.3100C>T, p.Gln1034Ter (NM_001354899.2); c.3061C>T, p.Gln1021Ter (NM_001354900.2); c.3007C>T, p.Gln1003Ter (NM_001354901.2); and 5 more; short protein forms Q1044*, Q1062*, Q1021*, Q961*, Q971*, Q936*, Q1003*, Q1034*.
Identifiers: ClinVar variation 469912 (VCV000469912.13), dbSNP rs1554084818, ClinGen allele CA16028314.
Genomic context (GRCh38, chr5:112,838,778, plus strand): 5'-AGTCCTTCACAGAATGAAAGATGGGCAAGACCCAAACACATAATAGAAGATGAAATAAAA[C>T]AAAGTGAGCAAAGACAATCAAGGAATCAAAGTACAACTTATCCTGTTTATACTGAGAGCA-3'

ClinVar aggregate classification (germline): Pathogenic. Review status: criteria provided, multiple submitters, no conflicts (2 of 4 stars). 3 submissions from 3 submitters: Pathogenic (3). Last evaluated 2024-03-25.

Conditions:
Hereditary cancer-predisposing syndrome. Also called: Hereditary neoplastic syndrome; Neoplastic Syndromes, Hereditary; Tumor predisposition; Hereditary Cancer Syndrome. Identifiers: Orphanet 140162, MedGen C0027672, MeSH D009386, MONDO:0015356.
Familial adenomatous polyposis 1 (FAP1). Also called: POLYPOSIS, ADENOMATOUS INTESTINAL; FAMILIAL ADENOMATOUS POLYPOSIS 1, ATTENUATED. Identifiers: MedGen C2713442, MONDO:0021056, OMIM 175100. Disease mechanism: loss of function.

Submissions (3):

Labcorp Genetics (formerly Invitae), Labcorp
Classification: Pathogenic for Familial adenomatous polyposis 1. Last evaluated: 2024-03-25. Review status: criteria provided, single submitter. Criteria: Invitae Variant Classification Sherloc (09022015). Collection method: clinical testing. Allele origin: germline.
Comment: This sequence change creates a premature translational stop signal (p.Gln1062*) in the APC gene. While this is not anticipated to result in nonsense mediated decay, it is expected to disrupt the last 1782 amino acid(s) of the APC protein. This variant is not present in population databases (gnomAD no frequency). This premature translational stop signal has been observed in individual(s) with familial adenomatous polyposis (PMID: 20685668, 28127413). ClinVar contains an entry for this variant (Variation ID: 469912). This variant is expected to disrupt the EB1 and HDLG binding sites, which mediate interactions with the cytoskeleton (PMID: 15311282, 17293347). While functional studies have not been performed to directly test the effect on APC protein function, this suggests that disruption of the C-terminal portion of the protein is functionally important. A different truncation (p.Tyr2645Lysfs*14) that lies downstream of this variant has been determined to be pathogenic (PMID: 9824584, 1316610, 27081525, 8381579, 22135120, Invitae). This suggests that deletion of this region of the APC protein is causative of disease. For these reasons, this variant has been classified as Pathogenic.

Ambry Genetics
Classification: Pathogenic for Hereditary cancer-predisposing syndrome. Last evaluated: 2023-11-17. Review status: criteria provided, single submitter. Criteria: Ambry Variant Classification Scheme 2023. Collection method: clinical testing. Allele origin: germline.
Comment: The p.Q1062* pathogenic mutation (also known as c.3184C>T), located in coding exon 15 of the APC gene, results from a C to T substitution at nucleotide position 3184. This changes the amino acid from a glutamine to a stop codon within coding exon 15. This alteration was identified in multiple individuals with a clinical presentation consistent with familial adenomatous polyposis or attenuated familial adenomatous polyposis (Urbanova M et al. Neoplasma. 2019 Mar;66:294-300; Ambry internal data). In addition to the clinical data presented in the literature, this alteration is expected to result in loss of function by premature protein truncation. As such, this alteration is interpreted as a disease-causing mutation.

Myriad Genetics, Inc.
Classification: Pathogenic for Familial adenomatous polyposis 1. Last evaluated: 2023-05-05. Review status: criteria provided, single submitter. Criteria: Myriad Autosomal Dominant, Autosomal Recessive and X-Linked Classification Criteria (2023). Collection method: clinical testing. Allele origin: unknown.
Comment: This variant is considered pathogenic. This variant creates a termination codon and is predicted to result in premature protein truncation.

Literature cited by the submitters: PubMed 20685668 (cited by Labcorp Genetics (formerly Invitae), Labcorp); PubMed 28127413 (cited by Labcorp Genetics (formerly Invitae), Labcorp); PubMed 15311282 (cited by Labcorp Genetics (formerly Invitae), Labcorp); PubMed 17293347 (cited by Labcorp Genetics (formerly Invitae), Labcorp); PubMed 9824584 (cited by Labcorp Genetics (formerly Invitae), Labcorp); PubMed 1316610 (cited by Labcorp Genetics (formerly Invitae), Labcorp); PubMed 27081525 (cited by Labcorp Genetics (formerly Invitae), Labcorp); PubMed 8381579 (cited by Labcorp Genetics (formerly Invitae), Labcorp); PubMed 22135120 (cited by Labcorp Genetics (formerly Invitae), Labcorp); PubMed 30569724 (cited by Ambry Genetics).